The following is an entry in ClinVar:

NM_001440.4(EXTL3):c.1567G>A (p.Ala523Thr)

Gene: EXTL3 (exostosin like glycosyltransferase 3; plus strand). Cytogenetic location: 8p21.1.
Variant type: single nucleotide variant.
Coding change: c.1567G>A on transcript NM_001440.4 (MANE Select); coding-DNA position 1567, G replaced by A.
Protein change: p.Ala523Thr; replaces alanine 523 with threonine.
Molecular consequence: missense variant.
Genome position (GRCh38, 1-based): chr8:28,717,626, G>A. VCF-style: chr8-28717626-G-A. GRCh37 (hg19) VCF-style: chr8-28575143-G-A.
Other names: short protein forms A523T.
Identifiers: ClinVar variation 1381647 (VCV001381647.6), dbSNP rs1214674621, ClinGen allele CA370860065.
Genomic context (GRCh38, chr8:28,717,626, plus strand): 5'-AGTGACCTCCTGGCTATGAGGCGGCAAGGCCGCTTTCTCTGGGAGACTTACTTCTCCACT[G>A]CTGACAGTATTTTTAATACCGTGCTGGCTATGATTAGGACTCGCATCCAGATCCCAGCCG-3'
Protein context (NP_001431.1, residues 513-533): RFLWETYFST[Ala523Thr]DSIFNTVLAM

ClinVar aggregate classification (germline): Uncertain significance (1 of 4 stars; one submission).

Allele frequency attached by ClinVar (database versions not stated): gnomAD exomes below 0.00001.
gnomAD v4.1: 1 of 1,614,198 alleles (0.000062%); highest among the groups gnomAD compares: Non-Finnish European, 0.000085%; no homozygotes.

Submission:

Labcorp Genetics (formerly Invitae), Labcorp
Classification: Uncertain significance. Last evaluated: 2022-08-09. Review status: criteria provided, single submitter. Criteria: Invitae Variant Classification Sherloc (09022015). Collection method: clinical testing. Allele origin: germline.
Comment: In summary, the available evidence is currently insufficient to determine the role of this variant in disease. Therefore, it has been classified as a Variant of Uncertain Significance. Algorithms developed to predict the effect of missense changes on protein structure and function output the following: SIFT: "Tolerated"; PolyPhen-2: "Benign"; Align-GVGD: "Class C0". The threonine amino acid residue is found in multiple mammalian species, which suggests that this missense change does not adversely affect protein function. ClinVar contains an entry for this variant (Variation ID: 1381647). This variant has not been reported in the literature in individuals affected with EXTL3-related conditions. This variant is present in population databases (no rsID available, gnomAD 0.0009%). This sequence change replaces alanine, which is neutral and non-polar, with threonine, which is neutral and polar, at codon 523 of the EXTL3 protein (p.Ala523Thr).